The following is an entry in ClinVar:

NM_001253852.3(AP4B1):c.1919T>G (p.Val640Gly)

Genes: AP4B1 (adaptor related protein complex 4 subunit beta 1; minus strand), AP4B1-AS1 (AP4B1 antisense RNA 1; plus strand). Cytogenetic location: 1p13.2.
Variant type: single nucleotide variant.
Coding change: c.1919T>G on transcript NM_001253852.3 (MANE Select); coding-DNA position 1919, T replaced by G.
Protein change: p.Val640Gly; replaces valine 640 with glycine.
Molecular consequence: missense variant.
Genome position (GRCh38, 1-based): chr1:113,895,366, A>C on the plus strand (T>G on the coding strand, the complement: AP4B1 is on the minus strand). VCF-style: chr1-113895366-A-C. GRCh37 (hg19) VCF-style: chr1-114437988-A-C.
Other names: c.1622T>G, p.Val541Gly (NM_001253853.3); c.1415T>G, p.Val472Gly (NM_001308312.2); c.1919T>G, p.Val640Gly (NM_006594.5); c.1919T>G (NM_006594.2); short protein forms V472G, V541G, V640G.
Identifiers: ClinVar variation 2201440 (VCV002201440.3), dbSNP rs1168331342, ClinGen allele CA341706965.
Genomic context (GRCh38, chr1:113,895,366, plus strand): 5'-GCCATCTGGAGGGTGTCAGGATGGAATTCTCCCCGCCAAGGCAACACTTGCTGATGAGCA[A>C]CTTTAAGGCTAAGCCAAGTTTTCTCAAAATAATCAGCAGTAAGCTGGCGATTGGGGACTA-3'
Protein context (NP_001240781.1, residues 630-650): YFEKTWLSLK[Val640Gly]AHQQVLPWRG

ClinVar aggregate classification (germline): Uncertain significance. Review status: criteria provided, multiple submitters, no conflicts (2 of 4 stars). 3 submissions from 3 submitters: Uncertain significance (3). Last evaluated 2025-03-26.

Conditions:
Hereditary spastic paraplegia 47. Also called: CEREBRAL PALSY, SPASTIC QUADRIPLEGIC, 5; adaptor protein 4 (AP-4) deficiency syndrome; Spastic paraplegia 47, autosomal recessive. Identifiers: Orphanet 280763, MedGen C3279738, MONDO:0013551, OMIM 614066.
Inborn genetic diseases. Identifiers: MedGen C0950123, MeSH D030342.

Allele frequency attached by ClinVar (database versions not stated): TOPMed 0.00001; gnomAD exomes below 0.00001.

Submissions (3):

Ambry Genetics
Classification: Uncertain significance for Inborn genetic diseases. Last evaluated: 2025-03-26. Review status: criteria provided, single submitter. Criteria: Ambry Variant Classification Scheme 2023. Collection method: clinical testing. Allele origin: germline.

GeneDx
Classification: Uncertain significance. Last evaluated: 2023-12-11. Review status: criteria provided, single submitter. Criteria: GeneDx Variant Classification Process June 2021. Collection method: clinical testing. Allele origin: germline. Affected: yes.
Comment: In silico analysis supports that this missense variant does not alter protein structure/function; Has not been previously published as pathogenic or benign to our knowledge

Labcorp Genetics (formerly Invitae), Labcorp
Classification: Uncertain significance for Hereditary spastic paraplegia 47. Last evaluated: 2022-06-03. Review status: criteria provided, single submitter. Criteria: Invitae Variant Classification Sherloc (09022015). Collection method: clinical testing. Allele origin: germline.
Comment: This sequence change replaces valine, which is neutral and non-polar, with glycine, which is neutral and non-polar, at codon 640 of the AP4B1 protein (p.Val640Gly). This variant is present in population databases (no rsID available, gnomAD 0.006%). This variant has not been reported in the literature in individuals affected with AP4B1-related conditions. Algorithms developed to predict the effect of missense changes on protein structure and function are either unavailable or do not agree on the potential impact of this missense change (SIFT: "Deleterious"; PolyPhen-2: "Benign"; Align-GVGD: "Class C0"). In summary, the available evidence is currently insufficient to determine the role of this variant in disease. Therefore, it has been classified as a Variant of Uncertain Significance.